The following is an entry in ClinVar:

NM_019885.4(CYP26B1):c.541G>A (p.Val181Met)

Gene: CYP26B1 (cytochrome P450 family 26 subfamily B member 1; minus strand). Cytogenetic location: 2p13.2.
Variant type: single nucleotide variant.
Coding change: c.541G>A on transcript NM_019885.4 (MANE Select); coding-DNA position 541, G replaced by A.
Protein change: p.Val181Met; replaces valine 181 with methionine.
Molecular consequence: missense variant.
Genome position (GRCh38, 1-based): chr2:72,135,308, C>T on the plus strand (G>A on the coding strand, the complement: CYP26B1 is on the minus strand). VCF-style: chr2-72135308-C-T. GRCh37 (hg19) VCF-style: chr2-72362437-C-T.
Other names: c.316G>A, p.Val106Met (NM_001277742.2); short protein forms V106M, V181M.
Identifiers: ClinVar variation 2180033 (VCV002180033.4), dbSNP rs142999899, ClinGen allele CA1708016.
Genomic context (GRCh38, chr2:72,135,308, plus strand): 5'-TGAAGCCCAGCAGCACCCGGATGGCCATGCGGAAGGTCAGCTTCTGCGCCTCCTGGTACA[C>T]GTTGATGGCCTCGGGGTGGCTGCTCCAGGCGCGCAGTGTGTCCTGGATCACCAGCTGGAT-3'
Protein context (NP_063938.1, residues 171-191): AWSSHPEAIN[Val181Met]YQEAQKLTFR

ClinVar aggregate classification (germline): Uncertain significance (1 of 4 stars; one submission).

Allele frequency attached by ClinVar (database versions not stated): gnomAD exomes 0.00004; ExAC 0.00010; gnomAD 0.00016; ESP Exome Variant Server 0.00023; TOPMed 0.00029.
gnomAD v4.1: 85 of 1,614,078 alleles (0.0053%); highest among the groups gnomAD compares: African/African-American, 0.072%; no homozygotes.

Submission:

Labcorp Genetics (formerly Invitae), Labcorp
Classification: Uncertain significance. Last evaluated: 2022-06-15. Review status: criteria provided, single submitter. Criteria: Invitae Variant Classification Sherloc (09022015). Collection method: clinical testing. Allele origin: germline.
Comment: In summary, the available evidence is currently insufficient to determine the role of this variant in disease. Therefore, it has been classified as a Variant of Uncertain Significance. Algorithms developed to predict the effect of missense changes on protein structure and function are either unavailable or do not agree on the potential impact of this missense change (SIFT: "Deleterious"; PolyPhen-2: "Probably Damaging"; Align-GVGD: "Class C15"). This variant has not been reported in the literature in individuals affected with CYP26B1-related conditions. This variant is present in population databases (rs142999899, gnomAD 0.07%). This sequence change replaces valine, which is neutral and non-polar, with methionine, which is neutral and non-polar, at codon 181 of the CYP26B1 protein (p.Val181Met).